The following is an entry in ClinVar:

ClinVar aggregate classification (germline): Benign/Likely benign. Review status: criteria provided, multiple submitters, no conflicts (2 of 4 stars). 5 submissions from 5 submitters: Benign (3); Likely benign (2). Last evaluated 2026-06-24.

Conditions:
CENPE-related disorder. Also called: CENPE-related condition.

Allele frequency attached by ClinVar (database versions not stated): gnomAD exomes 0.00193; ExAC 0.00231; gnomAD 0.00708 and 0.00742; TOPMed 0.00782; ESP Exome Variant Server 0.00815; 1000 Genomes Project 0.00919; 1000 Genomes Project 30x 0.00999.

Submissions (5):

PreventionGenetics, part of Exact Sciences
Classification: Benign for CENPE-related condition. Last evaluated: 2026-06-24. Review status: criteria provided, single submitter. Criteria: ACMG Guidelines, 2015. Collection method: clinical testing. Allele origin: germline.
Comment: This variant is classified as benign based on ACMG/AMP sequence variant interpretation guidelines (Richards et al. 2015 PMID: 25741868, with internal and published modifications).

GeneDx
Classification: Likely benign. Last evaluated: 2020-12-04. Review status: criteria provided, single submitter. Criteria: GeneDx Variant Classification Process June 2021. Collection method: clinical testing. Allele origin: germline. Affected: yes.

Labcorp Genetics (formerly Invitae), Labcorp
Classification: Benign. Last evaluated: 2019-12-31. Review status: criteria provided, single submitter. Criteria: Invitae Variant Classification Sherloc (09022015). Collection method: clinical testing. Allele origin: germline.

Genetic Services Laboratory, University of Chicago
Classification: Benign. Last evaluated: 2018-07-16. Review status: criteria provided, single submitter. Criteria: ACMG Guidelines, 2015. Collection method: clinical testing. Allele origin: germline. Affected: no.

Breakthrough Genomics
Classification: Likely benign. Review status: criteria provided, single submitter. Criteria: ACMG Guidelines, 2015. Collection method: not provided. Allele origin: germline. Inheritance: Autosomal recessive inheritance. Affected: yes.

NM_001813.3(CENPE):c.3529A>T (p.Met1177Leu)

Gene: CENPE (centromere protein E; minus strand). Cytogenetic location: 4q24.
Variant type: single nucleotide variant.
Coding change: c.3529A>T on transcript NM_001813.3 (MANE Select); coding-DNA position 3529, A replaced by T.
Protein change: p.Met1177Leu; replaces methionine 1177 with leucine.
Molecular consequence: missense variant.
Genome position (GRCh38, 1-based): chr4:103,149,276, T>A on the plus strand (A>T on the coding strand, the complement: CENPE is on the minus strand). VCF-style: chr4-103149276-T-A. GRCh37 (hg19) VCF-style: chr4-104070433-T-A.
Other names: c.3454A>T, p.Met1152Leu (NM_001286734.2); short protein forms M1152L, M1177L.
Identifiers: ClinVar variation 787272 (VCV000787272.12), dbSNP rs35975325, ClinGen allele CA3030041.